The following is an entry in ClinVar:

ClinVar aggregate classification (germline): Likely pathogenic (1 of 4 stars; one submission).

Conditions:
Cornelia de Lange syndrome 1 (CDLS1). Also called: Brachmann de Lange syndrome; TYPUS DEGENERATIVUS AMSTELODAMENSIS; NIPBL-Related Cornelia de Lange Syndrome. Identifiers: Orphanet 199, MedGen C4551851, MONDO:0007387, OMIM 122470.

Submission:

3billion
Classification: Likely pathogenic for Cornelia de Lange syndrome 1. Last evaluated: 2023-10-27. Review status: criteria provided, single submitter. Criteria: ACMG Guidelines, 2015. Collection method: clinical testing. Allele origin: germline. Affected: yes.
Comment: The variant is not observed in the gnomAD v2.1.1 dataset. Predicted Consequence/Location: Frameshift: predicted to result in a loss or disruption of normal protein function through nonsense-mediated decay (NMD) or protein truncation. Multiple pathogenic variants are reported downstream of the variant. Therefore, this variant is classified as Likely pathogenic according to the recommendation of ACMG/AMP guideline.

NM_133433.4(NIPBL):c.123del (p.Phe42fs)

Gene: NIPBL (NIPBL cohesin loading factor; plus strand). Cytogenetic location: 5p13.2.
Variant type: Deletion.
Coding change: c.123del on transcript NM_133433.4 (MANE Select); coding-DNA position 123, one base deleted (C; older notation c.123delC).
Protein change: p.Phe42fs; shifts the reading frame from phenylalanine 42.
Molecular consequence: frameshift variant.
Genome position (GRCh38, 1-based): chr5:36,955,530, C deleted. VCF-style (leftmost placement, unchanged base first): chr5-36955529-TC-T. GRCh37 (hg19) VCF-style: chr5-36955631-TC-T.
Other names: c.123del, p.Phe42fs (NM_015384.5); short protein forms F42fs.
Identifiers: ClinVar variation 3775335 (VCV003775335.1).